The following is an entry in ClinVar:

ClinVar aggregate classification (germline): Uncertain significance. Review status: criteria provided, multiple submitters, no conflicts (2 of 4 stars). 2 submissions from 2 submitters: Uncertain significance (2). Last evaluated 2022-04-07.

Conditions:
Proteinuria, chronic benign. Identifiers: MedGen C5394384, MONDO:0030042, OMIM 618884.
Imerslund-Grasbeck syndrome type 1 (IGS1). Also called: Imerslund-Gräsbeck syndrome 1; Megaloblastic anemia 1, Finnish type; MEGALOBLASTIC ANEMIA, 1. Identifiers: MedGen C4016819, MONDO:0100156, OMIM 261100.
Imerslund-Grasbeck syndrome. Also called: PERNICIOUS ANEMIA, JUVENILE, DUE TO SELECTIVE INTESTINAL MALABSORPTION OF VITAMIN B12, WITH PROTEINURIA; Megaloblastic anemia due to inborn errors of metabolism; ENTEROCYTE COBALAMIN MALABSORPTION; ENTEROCYTE INTRINSIC FACTOR RECEPTOR, DEFECT OF; Imerslund-Gräsbeck syndrome. Identifiers: Orphanet 35858, MedGen C4551825, MONDO:0009853.

Allele frequency attached by ClinVar (database versions not stated): gnomAD exomes 0.00002 and 0.00006; ESP Exome Variant Server 0.00008; gnomAD 0.00003; TOPMed 0.00003.
gnomAD v4.1: 88 of 1,613,112 alleles (0.0055%); highest among the groups gnomAD compares: Non-Finnish European, 0.0072%; no homozygotes.

Submissions (2):

Fulgent Genetics
Classification: Uncertain significance for Imerslund-Grasbeck syndrome type 1; Proteinuria, chronic benign. Last evaluated: 2022-04-07. Review status: criteria provided, single submitter. Criteria: ACMG Guidelines, 2015. Collection method: clinical testing. Allele origin: unknown.

Labcorp Genetics (formerly Invitae), Labcorp
Classification: Uncertain significance for Imerslund-Grasbeck syndrome. Last evaluated: 2021-06-19. Review status: criteria provided, single submitter. Criteria: Invitae Variant Classification Sherloc (09022015). Collection method: clinical testing. Allele origin: germline.
Comment: This variant is not present in population databases (ExAC no frequency). This sequence change replaces glycine with arginine at codon 818 of the CUBN protein (p.Gly818Arg). The glycine residue is highly conserved and there is a moderate physicochemical difference between glycine and arginine. This variant has not been reported in the literature in individuals with CUBN-related conditions. In summary, the available evidence is currently insufficient to determine the role of this variant in disease. Therefore, it has been classified as a Variant of Uncertain Significance. Algorithms developed to predict the effect of missense changes on protein structure and function are either unavailable or do not agree on the potential impact of this missense change (SIFT: "Tolerated"; PolyPhen-2: "Probably Damaging"; Align-GVGD: "Class C0").

NM_001081.4(CUBN):c.2452G>A (p.Gly818Arg)

Gene: CUBN (cubilin; minus strand). Cytogenetic location: 10p13.
Variant type: single nucleotide variant.
Coding change: c.2452G>A on transcript NM_001081.4 (MANE Select); coding-DNA position 2452, G replaced by A.
Protein change: p.Gly818Arg; replaces glycine 818 with arginine.
Molecular consequence: missense variant.
Genome position (GRCh38, 1-based): chr10:17,071,599, C>T on the plus strand (G>A on the coding strand, the complement: CUBN is on the minus strand). VCF-style: chr10-17071599-C-T. GRCh37 (hg19) VCF-style: chr10-17113598-C-T.
Other names: short protein forms G818R.
Identifiers: ClinVar variation 1475448 (VCV001475448.11), dbSNP rs141274853, ClinGen allele CA203636099.
Genomic context (GRCh38, chr10:17,071,599, plus strand): 5'-CAGGATACACGTTAGGAAAAAAAGGCGAGCGAATGACCCCTTCTCCAGTTAATTCATCCC[C>T]GCAAGCTGTAAGCATAAAAATTATAGTAGTGCTTGTCCAGATATTAATAATTTTATCTCA-3'
Protein context (NP_001072.2, residues 808-828): SFRAVYQVAC[Gly818Arg]DELTGEGVIR